The following is an entry in ClinVar:

NM_005445.4(SMC3):c.707G>A (p.Arg236His)

Gene: SMC3 (structural maintenance of chromosomes 3; plus strand). Cytogenetic location: 10q25.2.
Variant type: single nucleotide variant.
Coding change: c.707G>A on transcript NM_005445.4 (MANE Select); coding-DNA position 707, G replaced by A.
Protein change: p.Arg236His; replaces arginine 236 with histidine.
Molecular consequence: missense variant.
Genome position (GRCh38, 1-based): chr10:110,582,082, G>A. VCF-style: chr10-110582082-G-A. GRCh37 (hg19) VCF-style: chr10-112341840-G-A.
Other names: short protein forms R236H.
Identifiers: ClinVar variation 2576559 (VCV002576559.5), dbSNP rs587784429, ClinGen allele CA213231176.
Genomic context (GRCh38, chr10:110,582,082, plus strand): 5'-GGGATAAAATGAGACGAGCCCTGGAATATACCATTTACAATCAGGAACTTAACGAGACTC[G>A]TGCCAAACTTGATGAGGTAAAATATTTACCTGTGACACTTAAAATCAGATTAATTTTGTT-3'
Protein context (NP_005436.1, residues 226-246): TIYNQELNET[Arg236His]AKLDELSAKR

ClinVar aggregate classification (germline): Uncertain significance. Review status: criteria provided, multiple submitters, no conflicts (2 of 4 stars). 2 submissions from 2 submitters: Uncertain significance (2). Last evaluated 2026-06-09.

Conditions:
Cornelia de Lange syndrome 3 (CDLS3). Also called: SMC3-Related Cornelia de Lange Syndrome; CORNELIA DE LANGE SYNDROME 3 WITH OR WITHOUT MIDLINE BRAIN DEFECTS. Identifiers: Orphanet 199, MedGen C1853099, MONDO:0012555, OMIM 610759.

Allele frequency attached by ClinVar (database versions not stated): gnomAD 0.00001; gnomAD exomes 0.00001; TOPMed 0.00001.
gnomAD v4.1: 10 of 1,613,404 alleles (0.00062%); highest among the groups gnomAD compares: Non-Finnish European, 0.00085%; no homozygotes.

Submissions (2):

Institute of Human Genetics, University of Leipzig Medical Center
Classification: Uncertain significance for Cornelia de Lange syndrome 3. Last evaluated: 2026-06-09. Review status: criteria provided, single submitter. Criteria: ACMG Guidelines, 2015. Collection method: clinical testing. Allele origin: unknown. Inheritance: Autosomal dominant inheritance. Affected: yes.

Juno Genomics, Hangzhou Juno Genomics, Inc
Classification: Uncertain significance for Cornelia de Lange syndrome 3. Review status: criteria provided, single submitter. Criteria: ACMG Guidelines, 2015. Collection method: clinical testing. Allele origin: germline.
Comment: Absent from controls (or at extremely low frequency if recessive) in Genome Aggregation Database.;Multiple lines of computational evidence support a deleterious effect on the gene or gene product.;Missense variant in a gene that has a low rate of benign missense variation.;Novel missense change at an amino acid residue where a different missense change determined to be pathogenic has been seen before.;Located in a mutational hot spot and/or critical and well-established functional domain without benign variation.